The following is an entry in ClinVar:

ClinVar aggregate classification (germline): Uncertain significance (1 of 4 stars; one submission).

Conditions:
Charcot-Marie-Tooth disease axonal type 2C (HMSN2C). Also called: CHARCOT-MARIE-TOOTH DISEASE, AXONAL, AUTOSOMAL DOMINANT, TYPE 2C; Charcot-Marie-Tooth Neuropathy Type 2C; Charcot-Marie-Tooth Disease Type 2, TRPV4-Related (CMT2C). Identifiers: Orphanet 99937, MedGen C1853710, MONDO:0011633, OMIM 606071.

Allele frequency attached by ClinVar (database versions not stated): ExAC 0.00002; gnomAD 0.00001; TOPMed 0.00001; gnomAD exomes 0.00001.
gnomAD v4.1: 9 of 1,612,782 alleles (0.00056%); highest among the groups gnomAD compares: African/African-American, 0.0053%; no homozygotes.

Submission:

Labcorp Genetics (formerly Invitae), Labcorp
Classification: Uncertain significance for Charcot-Marie-Tooth disease axonal type 2C. Last evaluated: 2025-07-28. Review status: criteria provided, single submitter. Criteria: Invitae Variant Classification Sherloc (09022015). Collection method: clinical testing. Allele origin: germline.
Comment: This sequence change replaces arginine, which is basic and polar, with glutamine, which is neutral and polar, at codon 391 of the TRPV4 protein (p.Arg391Gln). This variant is present in population databases (rs763578146, gnomAD 0.007%). This variant has not been reported in the literature in individuals affected with TRPV4-related conditions. ClinVar contains an entry for this variant (Variation ID: 1983379). Invitae Evidence Modeling of protein sequence and biophysical properties (such as structural, functional, and spatial information, amino acid conservation, physicochemical variation, residue mobility, and thermodynamic stability) has been performed for this missense variant. However, the output from this modeling did not meet the statistical confidence thresholds required to predict the impact of this variant on TRPV4 protein function. In summary, the available evidence is currently insufficient to determine the role of this variant in disease. Therefore, it has been classified as a Variant of Uncertain Significance.

NM_021625.5(TRPV4):c.1172G>A (p.Arg391Gln)

Gene: TRPV4 (transient receptor potential cation channel subfamily V member 4; minus strand). Cytogenetic location: 12q24.11.
Variant type: single nucleotide variant.
Coding change: c.1172G>A on transcript NM_021625.5 (MANE Select); coding-DNA position 1172, G replaced by A.
Protein change: p.Arg391Gln; replaces arginine 391 with glutamine.
Molecular consequence: missense variant. On other transcripts: intron variant (2).
Genome position (GRCh38, 1-based): chr12:109,796,685, C>T on the plus strand (G>A on the coding strand, the complement: TRPV4 is on the minus strand). VCF-style: chr12-109796685-C-T. GRCh37 (hg19) VCF-style: chr12-110234490-C-T.
Other names: c.1031G>A, p.Arg344Gln (NM_001177428.2); c.1070G>A, p.Arg357Gln (NM_001177431.2); c.1011+1929G>A (NM_001177433.1); c.1152+1929G>A (NM_147204.2); short protein forms R391Q, R357Q, R344Q.
Identifiers: ClinVar variation 1983379 (VCV001983379.4), dbSNP rs763578146, ClinGen allele CA6780315.